The following is an entry in ClinVar:

ClinVar aggregate classification (germline): Uncertain significance (1 of 4 stars; one submission).

Allele frequency attached by ClinVar (database versions not stated): ExAC 0.00019; gnomAD exomes 0.00022; gnomAD 0.00025 and 0.00027; TOPMed 0.00025; ESP Exome Variant Server 0.00062.

Submission:

Labcorp Genetics (formerly Invitae), Labcorp
Classification: Uncertain significance. Last evaluated: 2025-01-26. Review status: criteria provided, single submitter. Criteria: Invitae Variant Classification Sherloc (09022015). Collection method: clinical testing. Allele origin: germline.
Comment: This sequence change replaces alanine, which is neutral and non-polar, with valine, which is neutral and non-polar, at codon 170 of the TIMM50 protein (p.Ala170Val). This variant is present in population databases (rs141323494, gnomAD 0.05%). This variant has not been reported in the literature in individuals affected with TIMM50-related conditions. ClinVar contains an entry for this variant (Variation ID: 1486202). An algorithm developed to predict the effect of missense changes on protein structure and function (PolyPhen-2) suggests that this variant is likely to be disruptive. In summary, the available evidence is currently insufficient to determine the role of this variant in disease. Therefore, it has been classified as a Variant of Uncertain Significance.

NM_001001563.5(TIMM50):c.200C>T (p.Ala67Val)

Gene: TIMM50 (translocase of inner mitochondrial membrane 50; plus strand). Cytogenetic location: 19q13.2.
Variant type: single nucleotide variant.
Coding change: c.200C>T on transcript NM_001001563.5 (MANE Select); coding-DNA position 200, C replaced by T.
Protein change: p.Ala67Val; replaces alanine 67 with valine.
Molecular consequence: missense variant. On other transcripts: 5 prime UTR variant (1).
Genome position (GRCh38, 1-based): chr19:39,481,974, C>T. VCF-style: chr19-39481974-C-T. GRCh37 (hg19) VCF-style: chr19-39972614-C-T.
Other names: c.-81C>T (NM_001329559.2); short protein forms A67V.
Identifiers: ClinVar variation 1486202 (VCV001486202.4), dbSNP rs141323494, ClinGen allele CA9431696.